The following is an entry in ClinVar:

NM_006734.4(HIVEP2):c.244A>C (p.Lys82Gln)

Gene: HIVEP2 (HIVEP zinc finger 2; minus strand). Cytogenetic location: 6q24.2.
Variant type: single nucleotide variant.
Coding change: c.244A>C on transcript NM_006734.4 (MANE Select); coding-DNA position 244, A replaced by C.
Protein change: p.Lys82Gln; replaces lysine 82 with glutamine.
Molecular consequence: missense variant.
Genome position (GRCh38, 1-based): chr6:142,774,495, T>G on the plus strand (A>C on the coding strand, the complement: HIVEP2 is on the minus strand). VCF-style: chr6-142774495-T-G. GRCh37 (hg19) VCF-style: chr6-143095632-T-G.
Other names: short protein forms K82Q.
Identifiers: ClinVar variation 2182244 (VCV002182244.28), dbSNP rs372617925, ClinGen allele CA4028777.
Genomic context (GRCh38, chr6:142,774,495, plus strand): 5'-GAGGGAAAGAGAGTGAGTGTTGGCATGAGTAAGGACTCGGACGATGCGGTGGATATTGCT[T>G]CTCTGCGACTTGCTGCACCACTTCACTAGGGGAGGCCAGTTTCCCAGAACCAAACAGTTG-3'
Protein context (NP_006725.3, residues 72-92): PSEVVQQVAE[Lys82Gln]QYPPHRPSPY

ClinVar aggregate classification (germline): Likely benign. Review status: criteria provided, multiple submitters, no conflicts (2 of 4 stars). 2 submissions from 2 submitters: Likely benign (2). Last evaluated 2024-06-17.

Allele frequency attached by ClinVar (database versions not stated): gnomAD exomes 0.00001; ExAC 0.00002; ESP Exome Variant Server 0.00008; gnomAD 0.00011; TOPMed 0.00011; 1000 Genomes Project 0.00020; 1000 Genomes Project 30x 0.00031.
gnomAD v4.1: 21 of 1,614,128 alleles (0.0013%); highest among the groups gnomAD compares: African/African-American, 0.027%; no homozygotes.

Submissions (2):

Labcorp Genetics (formerly Invitae), Labcorp
Classification: Likely benign. Last evaluated: 2024-06-17. Review status: criteria provided, single submitter. Criteria: Invitae Variant Classification Sherloc (09022015). Collection method: clinical testing. Allele origin: germline.

CeGaT Center for Human Genetics Tuebingen
Classification: Likely benign. Last evaluated: 2023-09-01. Review status: criteria provided, single submitter. Criteria: CeGaT Center For Human Genetics Tuebingen Variant Classification Criteria Version 2. Collection method: clinical testing. Allele origin: germline. Affected: yes. Observed: 1 variant allele.
Comment: HIVEP2: BP4